The following is an entry in ClinVar:

NM_000051.4(ATM):c.4439CTT[1] (p.Ser1481del)

Gene: ATM (ATM serine/threonine kinase; plus strand). Cytogenetic location: 11q22.3.
Variant type: Microsatellite.
Coding change: c.4439CTT[1] on transcript NM_000051.4 (MANE Select); one copy of the 3-base unit CTT starting at c.4439; the reference has two copies in a row; one copy, 3 bases deleted; also written c.4442_4444del.
Protein change: p.Ser1481del; deletes serine 1481.
Molecular consequence: inframe deletion.
Genome position (GRCh38, 1-based): chr11:108,292,624-108,292,626, CTT deleted; deleting any 3 consecutive bases within chr11:108,292,621-108,292,626 gives the same sequence; the position shown is the placement nearest the transcript's 3' end. VCF-style (leftmost placement, unchanged base first): chr11-108292620-CCTT-C. GRCh37 (hg19) VCF-style: chr11-108163347-CCTT-C.
Other names: c.4442_4444delCTT (NM_000051.3); c.4439CTT[1], p.Ser1481del (NM_001351834.2); c.4442_4444del (NM_000051.4); short protein forms S1481del.
Identifiers: ClinVar variation 185644 (VCV000185644.15), dbSNP rs786202338, ClinGen allele CA192513.
Genomic context (GRCh38, chr11:108,292,620, plus strand): 5'-TTCAGAGTAATTTTCCAGAACTTACTGGTTGTTGTTGTTTTTTTTTCTCCCTATATTAGG[CCTT>C]CTTGTATCATGGATGTGTCATTACGTAGCTTCTCCCTTTGTTGTGACTTATTAAGTCAGG-3'

ClinVar aggregate classification (germline): Uncertain significance. Review status: criteria provided, multiple submitters, no conflicts (2 of 4 stars). 4 submissions from 4 submitters: Uncertain significance (3). 1 of the submissions does not count toward it. Last evaluated 2025-12-21.

Conditions:
Hereditary cancer-predisposing syndrome. Also called: Hereditary Cancer Syndrome; Neoplastic Syndromes, Hereditary; Tumor predisposition; Hereditary neoplastic syndrome. Identifiers: Orphanet 140162, MedGen C0027672, MeSH D009386, MONDO:0015356.
Familial cancer of breast. Also called: BREAST CANCER, FAMILIAL; Hereditary breast cancer; hereditary breast carcinoma. Identifiers: Orphanet 227535, MedGen C0346153, MONDO:0016419, OMIM 114480. Disease mechanism: loss of function.
Ataxia-telangiectasia syndrome (AT). Also called: Ataxia-telangiectasia, complementation group D; AT, COMPLEMENTATION GROUP C; ATAXIA-TELANGIECTASIA, COMPLEMENTATION GROUP A; ATAXIA-TELANGIECTASIA, FRESNO VARIANT; Ataxia-telangiectasia; LOUIS-BAR SYNDROME. Identifiers: Orphanet 100, MedGen C0004135, MONDO:0008840, OMIM 208900.

Submissions (4):

Labcorp Genetics (formerly Invitae), Labcorp
Classification: Uncertain significance for Ataxia-telangiectasia syndrome. Last evaluated: 2025-12-21. Review status: criteria provided, single submitter. Criteria: Invitae Variant Classification Sherloc (09022015). Collection method: clinical testing. Allele origin: germline.
Comment: This variant, c.4442_4444del, results in the deletion of 1 amino acid(s) of the ATM protein (p.Ser1481del), but otherwise preserves the integrity of the reading frame. This variant is present in population databases (rs786202338, gnomAD 0.0009%). This variant has not been reported in the literature in individuals affected with ATM-related conditions. ClinVar contains an entry for this variant (Variation ID: 185644). Experimental studies and prediction algorithms are not available or were not evaluated, and the functional significance of this variant is currently unknown. In summary, the available evidence is currently insufficient to determine the role of this variant in disease. Therefore, it has been classified as a Variant of Uncertain Significance.

Ambry Genetics
Classification: Uncertain significance for Hereditary cancer-predisposing syndrome. Last evaluated: 2024-06-28. Review status: criteria provided, single submitter. Criteria: Ambry Variant Classification Scheme 2023. Collection method: clinical testing. Allele origin: germline.
Comment: The c.4442_4444delCTT variant (also known as p.S1481del) is located in coding exon 29 of the ATM gene. This variant results from an in-frame CTT deletion at nucleotide positions 4442 to 4444. This results in the in-frame deletion of a serine at codon 1481. This amino acid position is not well conserved in available vertebrate species. In addition, the in silico prediction for this alteration is inconclusive (Choi Y et al. PLoS ONE. 2012; 7(10):e46688). Since supporting evidence is limited at this time, the clinical significance of this alteration remains unclear.

Baylor Genetics
Classification: Uncertain significance for Familial cancer of breast. Last evaluated: 2023-08-03. Review status: criteria provided, single submitter. Criteria: ACMG Guidelines, 2015. Collection method: clinical testing. Allele origin: unknown.

True Health Diagnostics
Classification: Uncertain significance for Hereditary cancer-predisposing syndrome. Last evaluated: 2017-11-30. Review status: no assertion criteria provided. Collection method: clinical testing. Allele origin: germline. Not counted in ClinVar's aggregate classification.